The following is an entry in ClinVar:

ClinVar aggregate classification (germline): Uncertain significance. Review status: criteria provided, multiple submitters, no conflicts (2 of 4 stars). 2 submissions from 2 submitters: Uncertain significance (2). Last evaluated 2024-03-07.

Conditions:
Hereditary cancer-predisposing syndrome. Also called: Neoplastic Syndromes, Hereditary; Tumor predisposition; Hereditary Cancer Syndrome; Hereditary neoplastic syndrome. Identifiers: Orphanet 140162, MedGen C0027672, MeSH D009386, MONDO:0015356.

Submissions (2):

Color Diagnostics, LLC DBA Color Health
Classification: Uncertain significance for Hereditary cancer-predisposing syndrome. Last evaluated: 2024-03-07. Review status: criteria provided, single submitter. Criteria: ACMG Guidelines, 2015. Collection method: clinical testing. Allele origin: germline.
Comment: This missense variant replaces isoleucine with methionine at codon 68 of the ATM protein. Computational prediction tool suggests that this variant may not impact protein structure and function (internally defined REVEL score threshold <=0.5, PMID: 27666373). Splice site prediction tools suggest that this variant may not impact RNA splicing. To our knowledge, functional studies have not been performed for this variant. This variant has not been reported in individuals affected with hereditary cancer in the literature. This variant has not been identified in the general population by the Genome Aggregation Database (gnomAD). The available evidence is insufficient to determine the role of this variant in disease conclusively. Therefore, this variant is classified as a Variant of Uncertain Significance.

Ambry Genetics
Classification: Uncertain significance for Hereditary cancer-predisposing syndrome. Last evaluated: 2022-06-13. Review status: criteria provided, single submitter. Criteria: Ambry Variant Classification Scheme 2023. Collection method: clinical testing. Allele origin: germline.
Comment: The p.I68M variant (also known as c.204T>G), located in coding exon 3 of the ATM gene, results from a T to G substitution at nucleotide position 204. The isoleucine at codon 68 is replaced by methionine, an amino acid with highly similar properties. This amino acid position is conserved. In addition, the in silico prediction for this alteration is inconclusive. Since supporting evidence is limited at this time, the clinical significance of this alteration remains unclear.

NM_000051.4(ATM):c.204T>G (p.Ile68Met)

Gene: ATM (ATM serine/threonine kinase; plus strand). Cytogenetic location: 11q22.3.
Variant type: single nucleotide variant.
Coding change: c.204T>G on transcript NM_000051.4 (MANE Select); coding-DNA position 204, T replaced by G.
Protein change: p.Ile68Met; replaces isoleucine 68 with methionine.
Molecular consequence: missense variant.
Genome position (GRCh38, 1-based): chr11:108,229,196, T>G. VCF-style: chr11-108229196-T-G. GRCh37 (hg19) VCF-style: chr11-108099923-T-G.
Other names: c.204T>G, p.Ile68Met (NM_001351834.2, NM_001351835.2, NM_001351836.2); short protein forms I68M.
Identifiers: ClinVar variation 918597 (VCV000918597.6), dbSNP rs2078883151, ClinGen allele CA382521258.